The following is an entry in ClinVar:

NM_000080.4(CHRNE):c.*930T>G

Genes: CHRNE (cholinergic receptor nicotinic epsilon subunit; minus strand), MINK1 (misshapen like kinase 1; plus strand). Cytogenetic location: 17p13.2.
Variant type: single nucleotide variant.
Coding change: c.*930T>G on transcript NM_000080.4 (MANE Select); 930 bases downstream of the stop codon, T replaced by G.
Molecular consequence: 3 prime UTR variant.
Genome position (GRCh38, 1-based): chr17:4,897,806, A>C on the plus strand (T>G on the coding strand, the complement: CHRNE is on the minus strand). VCF-style: chr17-4897806-A-C. GRCh37 (hg19) VCF-style: chr17-4801101-A-C.
Other names: c.*519A>C (NM_001024937.4, NM_001321236.2, NM_015716.5 and 2 more transcripts).
Identifiers: ClinVar variation 323942 (VCV000323942.6), dbSNP rs116802199, ClinGen allele CA10640005.
Genomic context (GRCh38, chr17:4,897,806, plus strand): 5'-TCCAGGGGCAGGGACCATTTCTTCATTTTCTGAAAGCACTTTAATGATTCCCCTTCCCCC[A>C]AACTCCAGGGAATGGAGGGGGGACCCCGCCAGCCAAAACATTCCCCCCATTCCCGACCCC-3'

ClinVar aggregate classification (germline): Benign. Review status: criteria provided, multiple submitters, no conflicts (2 of 4 stars). 2 submissions from 2 submitters: Benign (2). Last evaluated 2018-01-13.

Conditions:
Congenital myasthenic syndrome (CMS). Also called: Congenital Myasthenic Syndromes. Identifiers: Orphanet 590, MedGen C0751882, MeSH D020294, MONDO:0018940.

Allele frequency attached by ClinVar (database versions not stated): gnomAD 0.02600 and 0.02701; TOPMed 0.02994; 1000 Genomes Project 0.03694.

Submissions (2):

Illumina Laboratory Services, Illumina
Classification: Benign for Congenital myasthenic syndrome. Last evaluated: 2018-01-13. Review status: criteria provided, single submitter. Criteria: ICSL Variant Classification Criteria 13 December 2019. Collection method: clinical testing. Allele origin: germline.
Comment: This variant was observed in the ICSL laboratory as part of a predisposition screen in an ostensibly healthy population. It had not been previously curated by ICSL or reported in the Human Gene Mutation Database (HGMD: prior to June 1st, 2018), and was therefore a candidate for classification through an automated scoring system. Utilizing variant allele frequency, disease prevalence and penetrance estimates, and inheritance mode, an automated score was calculated to assess if this variant is too frequent to cause the disease. Based on the score and internal cut-off values, a variant classified as benign is not then subjected to further curation. The score for this variant resulted in a classification of benign for this disease.

Breakthrough Genomics
Classification: Benign. Review status: criteria provided, single submitter. Criteria: ACMG Guidelines, 2015. Collection method: not provided. Allele origin: germline. Inheritance: Autosomal recessive inheritance. Affected: yes.